The following is an entry in ClinVar:

NM_003119.4(SPG7):c.1443G>A (p.Thr481=)

Gene: SPG7 (SPG7 matrix AAA peptidase subunit, paraplegin; plus strand). Cytogenetic location: 16q24.3.
Variant type: single nucleotide variant.
Coding change: c.1443G>A on transcript NM_003119.4 (MANE Select); coding-DNA position 1443, G replaced by A.
Protein change: p.Thr481=; no amino-acid change (threonine 481 retained).
Molecular consequence: synonymous variant.
Genome position (GRCh38, 1-based): chr16:89,544,766, G>A. VCF-style: chr16-89544766-G-A. GRCh37 (hg19) VCF-style: chr16-89611174-G-A.
Other names: c.1443G>A, p.Thr481= (NM_001363850.1).
Identifiers: ClinVar variation 2084246 (VCV002084246.26), dbSNP rs1201608246, ClinGen allele CA497175772.
Genomic context (GRCh38, chr16:89,544,766, plus strand): 5'-GGACGGTGCTCTGATGAGGCCAGGCCGACTGGACCGGCACGTCTTCATTGATCTCCCCAC[G>A]CTGCAGGTCAGAGCCAGGATCCCAGCCTCTCCCACTCCACCTGGGCCGCCCCCACTCGCT-3'
Protein context (NP_003110.1, residues 471-491): LDRHVFIDLP[Thr481=]LQERREIFEQ

ClinVar aggregate classification (germline): Likely benign. Review status: criteria provided, multiple submitters, no conflicts (2 of 4 stars). 2 submissions from 2 submitters: Likely benign (2). Last evaluated 2025-01-20.

Conditions:
Hereditary spastic paraplegia 7 (SPG7). Also called: Spastic paraplegia 7; Hereditary spastic paraplegia Paraplegin type; SPG7-related neurologic disorder; SPASTIC PARAPLEGIA 7, AUTOSOMAL RECESSIVE, WITH OR WITHOUT CEREBELLAR ATAXIA; Autosomal recessive spastic paraplegia type 7. Identifiers: Orphanet 99013, MedGen C1846564, MONDO:0011803, OMIM 607259.

Allele frequency attached by ClinVar (database versions not stated): TOPMed 0.00002; gnomAD 0.00003.
gnomAD v4.1: 38 of 1,613,858 alleles (0.0024%); highest among the groups gnomAD compares: Non-Finnish European, 0.003%; no homozygotes.

Submissions (2):

Labcorp Genetics (formerly Invitae), Labcorp
Classification: Likely benign for Hereditary spastic paraplegia 7. Last evaluated: 2025-01-20. Review status: criteria provided, single submitter. Criteria: Invitae Variant Classification Sherloc (09022015). Collection method: clinical testing. Allele origin: germline.

CeGaT Center for Human Genetics Tuebingen
Classification: Likely benign. Last evaluated: 2023-12-01. Review status: criteria provided, single submitter. Criteria: CeGaT Center For Human Genetics Tuebingen Variant Classification Criteria Version 2. Collection method: clinical testing. Allele origin: germline. Affected: yes. Observed: 1 variant allele.
Comment: SPG7: BP4, BP7